The following is an entry in ClinVar:

NM_001202.6(BMP4):c.205_214del (p.Arg69fs)

Gene: BMP4 (bone morphogenetic protein 4; minus strand). Cytogenetic location: 14q22.2.
Variant type: Deletion.
Coding change: c.205_214del on transcript NM_001202.6 (MANE Select); coding-DNA positions 205 to 214, 10 bases deleted (CGCCGCCCGC; older notation c.205_214delCGCCGCCCGC).
Protein change: p.Arg69fs; shifts the reading frame from arginine 69.
Molecular consequence: frameshift variant.
Genome position (GRCh38, 1-based): chr14:53,952,009-53,952,018, GCGGGCGGCG deleted on the plus strand (CGCCGCCCGC on the coding strand, the reverse complement: BMP4 is on the minus strand); deleting any 10 consecutive bases within chr14:53,952,009-53,952,021 gives the same sequence; the c. name uses the placement nearest the transcript's 3' end. VCF-style (leftmost placement, unchanged base first): chr14-53952008-TGCGGGCGGCG-T. GRCh37 (hg19) VCF-style: chr14-54418726-TGCGGGCGGCG-T.
Other names: c.346_355del, p.Arg116fs (NM_001347912.1); c.16_25del, p.Arg6fs (NM_001347913.2, NM_001347915.2, NM_001347917.1); c.205_214del, p.Arg69fs (NM_001347914.2, NM_001347916.1, NM_130850.5 and 1 more transcripts); short protein forms R69fs, R116fs, R6fs.
Identifiers: ClinVar variation 1458344 (VCV001458344.6), dbSNP rs2140238013, ClinGen allele CA2573149957.

ClinVar aggregate classification (germline): Pathogenic (1 of 4 stars; one submission).

Conditions:
Orofacial cleft 11 (OFC11). Also called: CLEFT LIP WITH OR WITHOUT CLEFT PALATE, NONSYNDROMIC, 11; Orofacial cleft 11; ofc11. Identifiers: MedGen C2677434, MONDO:0010906, OMIM 600625.
Microphthalmia with brain and digit anomalies (MCOPS6). Also called: MICROPHTHALMIA AND PITUITARY ANOMALIES; Microphthalmia, syndromic 6. Identifiers: Orphanet 139471, MedGen C1864689, MONDO:0011936, OMIM 607932.

Submission:

Labcorp Genetics (formerly Invitae), Labcorp
Classification: Pathogenic for Microphthalmia with brain and digit anomalies; Orofacial cleft 11. Last evaluated: 2024-02-23. Review status: criteria provided, single submitter. Criteria: Invitae Variant Classification Sherloc (09022015). Collection method: clinical testing. Allele origin: germline.
Comment: This sequence change creates a premature translational stop signal (p.Arg69Serfs*46) in the BMP4 gene. While this is not anticipated to result in nonsense mediated decay, it is expected to disrupt the last 340 amino acid(s) of the BMP4 protein. This variant is not present in population databases (gnomAD no frequency). This variant has not been reported in the literature in individuals affected with BMP4-related conditions. ClinVar contains an entry for this variant (Variation ID: 1458344). This variant disrupts a region of the BMP4 protein in which other variant(s) (p.Arg198*) have been determined to be pathogenic (PMID: 21340693). This suggests that this is a clinically significant region of the protein, and that variants that disrupt it are likely to be disease-causing. For these reasons, this variant has been classified as Pathogenic.

Literature cited by the submitters: PubMed 21340693.